The following is an entry in ClinVar:

ClinVar aggregate classification (germline): Pathogenic (1 of 4 stars; one submission).

Conditions:
Primary ciliary dyskinesia. Also called: Ciliary dyskinesia. Identifiers: Orphanet 244, MedGen C0008780, MONDO:0016575, HP:0012265.

Submission:

Labcorp Genetics (formerly Invitae), Labcorp
Classification: Pathogenic for Primary ciliary dyskinesia. Last evaluated: 2021-08-27. Review status: criteria provided, single submitter. Criteria: Invitae Variant Classification Sherloc (09022015). Collection method: clinical testing. Allele origin: germline.
Comment: For these reasons, this variant has been classified as Pathogenic. This variant has not been reported in the literature in individuals affected with DNAH5-related conditions. This variant is not present in population databases (ExAC no frequency). This sequence change creates a premature translational stop signal (p.Ala3002Lysfs*18) in the DNAH5 gene. It is expected to result in an absent or disrupted protein product. Loss-of-function variants in DNAH5 are known to be pathogenic (PMID: 11788826, 16627867).

Literature cited by the submitters: PubMed 11788826; PubMed 16627867.

NM_001369.3(DNAH5):c.9003_9004insAAACCTT (p.Ala3002fs)

Gene: DNAH5 (dynein axonemal heavy chain 5; minus strand). Cytogenetic location: 5p15.2.
Variant type: Insertion.
Coding change: c.9003_9004insAAACCTT on transcript NM_001369.3 (MANE Select); coding-DNA positions 9003 to 9004, AAACCTT inserted.
Protein change: p.Ala3002fs; shifts the reading frame from alanine 3002.
Molecular consequence: frameshift variant.
Genome position: GRCh38 VCF-style: chr5-13777303-C-CAAGGTTT. GRCh37 (hg19) VCF-style: chr5-13777412-C-CAAGGTTT.
Other names: short protein forms A3002fs.
Identifiers: ClinVar variation 1437277 (VCV001437277.6), dbSNP rs2126814118, ClinGen allele CA2573138447.